The following is an entry in ClinVar:

ClinVar aggregate classification (germline): Uncertain significance. Review status: criteria provided, multiple submitters, no conflicts (2 of 4 stars). 3 submissions from 3 submitters: Uncertain significance (3). Last evaluated 2025-05-16.

Conditions:
Cardiovascular phenotype. Identifiers: MedGen CN230736.
Alstrom syndrome (ALMS). Identifiers: Orphanet 64, MedGen C0268425, MONDO:0008763, OMIM 203800.

Allele frequency attached by ClinVar (database versions not stated): TOPMed 0.00001.
gnomAD v4.1: 1 of 1,612,476 alleles (0.000062%); highest among the groups gnomAD compares: Non-Finnish European, 0.000085%; no homozygotes.

Submissions (3):

Women's Health and Genetics/Laboratory Corporation of America, LabCorp
Classification: Uncertain significance. Last evaluated: 2025-05-16. Review status: criteria provided, single submitter. Criteria: LabCorp Variant Classification Summary - May 2015. Collection method: clinical testing. Allele origin: germline.

Ambry Genetics
Classification: Uncertain significance for Cardiovascular phenotype. Last evaluated: 2022-10-19. Review status: criteria provided, single submitter. Criteria: Ambry Variant Classification Scheme 2023. Collection method: clinical testing. Allele origin: germline.
Comment: The p.D2783G variant (also known as c.8348A>G), located in coding exon 10 of the ALMS1 gene, results from an A to G substitution at nucleotide position 8348. The aspartic acid at codon 2783 is replaced by glycine, an amino acid with similar properties. This amino acid position is not well conserved in available vertebrate species. In addition, this alteration is predicted to be tolerated by in silico analysis. Since supporting evidence is limited at this time, the clinical significance of this alteration remains unclear.

Labcorp Genetics (formerly Invitae), Labcorp
Classification: Uncertain significance for Alstrom syndrome. Last evaluated: 2022-06-22. Review status: criteria provided, single submitter. Criteria: Invitae Variant Classification Sherloc (09022015). Collection method: clinical testing. Allele origin: germline.
Comment: This sequence change replaces aspartic acid, which is acidic and polar, with glycine, which is neutral and non-polar, at codon 2783 of the ALMS1 protein (p.Asp2783Gly). This variant is not present in population databases (gnomAD no frequency). This variant has not been reported in the literature in individuals affected with ALMS1-related conditions. Experimental studies and prediction algorithms are not available or were not evaluated, and the functional significance of this variant is currently unknown. In summary, the available evidence is currently insufficient to determine the role of this variant in disease. Therefore, it has been classified as a Variant of Uncertain Significance.

NM_001378454.1(ALMS1):c.8345A>G (p.Asp2782Gly)

Gene: ALMS1 (ALMS1 centrosome and basal body associated protein; plus strand). Cytogenetic location: 2p13.1.
Variant type: single nucleotide variant.
Coding change: c.8345A>G on transcript NM_001378454.1 (MANE Select); coding-DNA position 8345, A replaced by G.
Protein change: p.Asp2782Gly; replaces aspartic acid 2782 with glycine.
Molecular consequence: missense variant.
Genome position (GRCh38, 1-based): chr2:73,490,304, A>G. VCF-style: chr2-73490304-A-G. GRCh37 (hg19) VCF-style: chr2-73717431-A-G.
Other names: c.8348A>G, p.Asp2783Gly (NM_015120.4); short protein forms D2782G, D2783G.
Identifiers: ClinVar variation 1343661 (VCV001343661.6), dbSNP rs1672950843, ClinGen allele CA347268370.
Genomic context (GRCh38, chr2:73,490,304, plus strand): 5'-GAGATCTTAAACAGAAAACCTCTTCCCCTTCATCATTTAAAATGCATAGTAATTCACAAG[A>G]TAAAGAAGTGACTATTTTAGCAGAAGGTAGAAGGCAAAGCCAAAAATTACCTGTTGATTT-3'
Protein context (NP_001365383.1, residues 2772-2792): SSFKMHSNSQ[Asp2782Gly]KEVTILAEGR